The following is an entry in ClinVar:

NM_000059.4(BRCA2):c.6943A>G (p.Ile2315Val)

Gene: BRCA2 (BRCA2 DNA repair associated; plus strand). Cytogenetic location: 13q13.1.
Variant type: single nucleotide variant.
Coding change: c.6943A>G on transcript NM_000059.4 (MANE Select); coding-DNA position 6943, A replaced by G.
Protein change: p.Ile2315Val; replaces isoleucine 2315 with valine.
Molecular consequence: missense variant.
Genome position (GRCh38, 1-based): chr13:32,346,832, A>G. VCF-style: chr13-32346832-A-G. GRCh37 (hg19) VCF-style: chr13-32920969-A-G.
Other names: 7171A>G; short protein forms I2315V.
Identifiers: ClinVar variation 52224 (VCV000052224.13), dbSNP rs80358918, ClinGen allele CA024604.

ClinVar aggregate classification (germline): Uncertain significance. Review status: criteria provided, multiple submitters, no conflicts (2 of 4 stars). 4 submissions from 4 submitters: Uncertain significance (2). 2 of the submissions do not count toward it. Last evaluated 2025-08-06.

Conditions:
Hereditary breast ovarian cancer syndrome. Also called: Hereditary breast and ovarian cancer syndrome; Hereditary breast and ovarian cancer; Hereditary breast and ovarian cancer syndrome (HBOC); Breast and ovarian cancer; Hereditary breast and/or ovarian cancer syndrome; BRCA1- and BRCA2-Associated Hereditary Breast and Ovarian Cancer. Identifiers: Orphanet 145, MedGen C0677776, MeSH D061325, MONDO:0003582. Disease mechanism: loss of function.
Hereditary cancer-predisposing syndrome. Also called: Neoplastic Syndromes, Hereditary; Tumor predisposition; Hereditary neoplastic syndrome; Hereditary Cancer Syndrome. Identifiers: Orphanet 140162, MedGen C0027672, MeSH D009386, MONDO:0015356.
Breast-ovarian cancer, familial, susceptibility to, 2 (BROVCA2). Also called: BRCA2 Hereditary Breast and Ovarian Cancer. Identifiers: Orphanet 145, MedGen C2675520, MONDO:0012933, OMIM 612555. Disease mechanism: loss of function.

Submissions (4):

Labcorp Genetics (formerly Invitae), Labcorp
Classification: Uncertain significance for Hereditary breast ovarian cancer syndrome. Last evaluated: 2025-08-06. Review status: criteria provided, single submitter. Criteria: Invitae Variant Classification Sherloc (09022015). Collection method: clinical testing. Allele origin: germline.
Comment: This sequence change replaces isoleucine, which is neutral and non-polar, with valine, which is neutral and non-polar, at codon 2315 of the BRCA2 protein (p.Ile2315Val). This variant is not present in population databases (gnomAD no frequency). This missense change has been observed in individual(s) with clinical features of hereditary breast and ovarian cancer syndrome (PMID: 21638052). ClinVar contains an entry for this variant (Variation ID: 52224). Invitae Evidence Modeling of protein sequence and biophysical properties (such as structural, functional, and spatial information, amino acid conservation, physicochemical variation, residue mobility, and thermodynamic stability) indicates that this missense variant is not expected to disrupt BRCA2 protein function with a negative predictive value of 95%. In summary, the available evidence is currently insufficient to determine the role of this variant in disease. Therefore, it has been classified as a Variant of Uncertain Significance.

Ambry Genetics
Classification: Uncertain significance for Hereditary cancer-predisposing syndrome. Last evaluated: 2020-04-16. Review status: criteria provided, single submitter. Criteria: Ambry Variant Classification Scheme 2023. Collection method: clinical testing. Allele origin: germline.
Comment: The p.I2315V variant (also known as c.6943A>G), located in coding exon 12 of the BRCA2 gene, results from an A to G substitution at nucleotide position 6943. The isoleucine at codon 2315 is replaced by valine, an amino acid with highly similar properties. This amino acid position is not well conserved in available vertebrate species. In addition, this alteration is predicted to be tolerated by in silico analysis. Since supporting evidence is limited at this time, the clinical significance of this alteration remains unclear.

Sharing Clinical Reports Project (SCRP)
Classification: Uncertain significance for Breast-ovarian cancer, familial 2. Last evaluated: 2008-08-25. Review status: no assertion criteria provided. Collection method: clinical testing. Allele origin: germline. Not counted in ClinVar's aggregate classification.

Breast Cancer Information Core (BIC) (BRCA2)
Classification: Uncertain significance for Breast-ovarian cancer, familial 2. Last evaluated: 1999-04-05. Review status: no assertion criteria provided. Collection method: clinical testing. Allele origin: germline. Affected: yes. Observed: 2 variant alleles. Not counted in ClinVar's aggregate classification.

Literature cited by the submitters: PubMed 21638052 (cited by Labcorp Genetics (formerly Invitae), Labcorp and Ambry Genetics).